The following is an entry in ClinVar:

NM_002294.3(LAMP2):c.472A>G (p.Thr158Ala)

Gene: LAMP2 (lysosome associated membrane protein 2; minus strand). Cytogenetic location: Xq24.
Variant type: single nucleotide variant.
Coding change: c.472A>G on transcript NM_002294.3 (MANE Select); coding-DNA position 472, A replaced by G.
Protein change: p.Thr158Ala; replaces threonine 158 with alanine.
Molecular consequence: missense variant.
Genome position (GRCh38, 1-based): chrX:120,449,054, T>C on the plus strand (A>G on the coding strand, the complement: LAMP2 is on the minus strand). VCF-style: chrX-120449054-T-C. GRCh37 (hg19) VCF-style: chrX-119582909-T-C.
Other names: c.472A>G, p.Thr158Ala (NM_001122606.1, NM_013995.2); short protein forms T158A.
Identifiers: ClinVar variation 44429 (VCV000044429.25), dbSNP rs138374063, ClinGen allele CA134126.

ClinVar aggregate classification (germline): Conflicting classifications of pathogenicity. Review status: criteria provided, conflicting classifications (1 of 4 stars). 7 submissions from 7 submitters: Uncertain significance (2); Likely benign (4). 1 of the submissions does not count toward it. Last evaluated 2025-11-18.

Conditions:
Cardiovascular phenotype. Identifiers: MedGen CN230736.
Danon disease. Also called: ANTOPOL DISEASE; Glycogen Storage Disease Type IIb; PSEUDOGLYCOGENOSIS II; GSD IIb; LYSOSOMAL GLYCOGEN STORAGE DISEASE WITHOUT ACID MALTASE DEFICIENCY. Identifiers: Orphanet 34587, MedGen C0878677, MONDO:0010281, OMIM 300257.

Allele frequency attached by ClinVar (database versions not stated): TOPMed 0.00001; ExAC 0.00002; gnomAD 0.00003; gnomAD exomes 0.00003; ESP Exome Variant Server 0.00028.
gnomAD v4.1: 33 of 1,203,455 alleles (0.0027%); highest among the groups gnomAD compares: Non-Finnish European, 0.0033%; no homozygotes.

Submissions (7):

Labcorp Genetics (formerly Invitae), Labcorp
Classification: Likely benign for Danon disease. Last evaluated: 2025-11-18. Review status: criteria provided, single submitter. Criteria: Invitae Variant Classification Sherloc (09022015). Collection method: clinical testing. Allele origin: germline.

Molecular Diagnostic Laboratory for Inherited Cardiovascular Disease, Montreal Heart Institute
Classification: Likely benign. Last evaluated: 2025-04-09. Review status: criteria provided, single submitter. Criteria: ACMG Guidelines, 2015. Collection method: clinical testing. Allele origin: germline. Affected: no.
Comment: BS1, BP1, BP4

Blueprint Genetics
Classification: Likely benign. Last evaluated: 2024-10-04. Review status: criteria provided, single submitter. Criteria: ACMG Guidelines, 2015. Collection method: clinical testing. Allele origin: germline.

GeneDx
Classification: Uncertain significance. Last evaluated: 2023-08-28. Review status: criteria provided, single submitter. Criteria: GeneDx Variant Classification Process June 2021. Collection method: clinical testing. Allele origin: germline. Affected: yes.
Comment: In silico analysis supports that this missense variant does not alter protein structure/function; Has not been previously published as pathogenic or benign to our knowledge; This variant is associated with the following publications: (PMID: 27532257)

Ambry Genetics
Classification: Likely benign for Cardiovascular phenotype. Last evaluated: 2022-02-14. Review status: criteria provided, single submitter. Criteria: Ambry Variant Classification Scheme 2023. Collection method: clinical testing. Allele origin: germline.

Laboratory for Molecular Medicine, Mass General Brigham Personalized Medicine
Classification: Uncertain significance. Last evaluated: 2012-07-06. Review status: criteria provided, single submitter. Criteria: LMM Criteria. Collection method: clinical testing. Allele origin: germline. Observed: 1 variant allele.
Comment: Variant classified as Uncertain Significance - Favor Benign. The Thr158Ala varia nt in LAMP2 has been identified in 2/6727 European American chromosomes from a b road population by the NHLBI Exome Sequencing Project (. edu/EVS; dbSNP rs138374063). Threonine (Thr) at position 158 is not conserved in mammals or evolutionarily distant species and elephant carries an alanine (Ala; this variant), suggesting that this change may be tolerated. In addition, compu tational analyses (biochemical amino acid properties, AlignGVGD, PolyPhen2, and SIFT) suggest that this variant may not impact the protein, though this informat ion is not predictive enough to rule out pathogenicity. In summary, the frequenc y of this variant and lack of amino acid conservation suggests that it may be mo re likely benign, but additional information is needed to fully assess its clini cal significance.

Mayo Clinic Laboratories, Mayo Clinic
Classification: Uncertain significance. Last evaluated: 2017-11-13. Review status: no assertion criteria provided. Collection method: clinical testing. Allele origin: unknown. Not counted in ClinVar's aggregate classification.

Literature cited by the submitters: PubMed 24503780 (cited by Ambry Genetics); PubMed 27532257 (cited by Ambry Genetics).